The following is an entry in ClinVar:

NM_153704.6(TMEM67):c.492T>C (p.Asn164=)

Gene: TMEM67 (transmembrane protein 67; plus strand). Cytogenetic location: 8q22.1.
Variant type: single nucleotide variant.
Coding change: c.492T>C on transcript NM_153704.6 (MANE Select); coding-DNA position 492, T replaced by C.
Protein change: p.Asn164=; no amino-acid change (asparagine 164 retained).
Molecular consequence: synonymous variant. On other transcripts: non-coding transcript variant (1).
Genome position (GRCh38, 1-based): chr8:93,763,927, T>C. VCF-style: chr8-93763927-T-C. GRCh37 (hg19) VCF-style: chr8-94776155-T-C.
Other names: c.249T>C, p.Asn83= (NM_001142301.1).
Identifiers: ClinVar variation 3349494 (VCV003349494.1).

ClinVar aggregate classification (germline): Likely benign (0 of 4 stars; one submission).

Conditions:
TMEM67-related disorder. Also called: TMEM67-related condition; TMEM67-related disorders. Identifiers: MedGen CN239423.

Submission:

PreventionGenetics, part of Exact Sciences
Classification: Likely benign for TMEM67-related condition. Last evaluated: 2024-08-09. Review status: no assertion criteria provided. Collection method: clinical testing. Allele origin: germline.
Comment: This variant is classified as likely benign based on ACMG/AMP sequence variant interpretation guidelines (Richards et al. 2015 PMID: 25741868, with internal and published modifications).